The following is an entry in ClinVar:

ClinVar aggregate classification (germline): Likely pathogenic (1 of 4 stars; one submission).

Conditions:
Hypogonadotropic hypogonadism 2 with or without anosmia (HH2). Also called: HYPOGONADOTROPIC HYPOGONADISM 2 WITHOUT ANOSMIA; HYPOGONADOTROPIC HYPOGONADISM 2 WITH OR WITHOUT ANOSMIA, SUSCEPTIBILITY TO; HYPOGONADOTROPIC HYPOGONADISM 2 WITHOUT ANOSMIA, SUSCEPTIBILITY TO; FGFR1-Related GnRH Deficiency (Kallmann Syndrome 2). Identifiers: Orphanet 478, MedGen C1563720, MONDO:0007844, OMIM 147950. Disease mechanism: loss of function.

Submission:

Genetics Institute, Tel Aviv Sourasky Medical Center
Classification: Likely pathogenic for Hypogonadotropic hypogonadism 2 with or without anosmia. Last evaluated: 2026-06-01. Review status: criteria provided, single submitter. Criteria: ACMG Guidelines, 2015. Collection method: research. Allele origin: germline. Affected: yes.
Comment: RNA studies revealed that it leads to intron 15 retention causing a premature stop codon immediately after exon 15. The variant is not present in gnomAD. According to ACMG/AMP criteria, this variant is classified as likely pathogenic (PS3_Splice, PM2, PP3).

NM_023110.3(FGFR1):c.2048+4dup

Gene: FGFR1 (fibroblast growth factor receptor 1; minus strand). Cytogenetic location: 8p11.23.
Variant type: Duplication.
Coding change: c.2048+4dup on transcript NM_023110.3 (MANE Select); 4 bases into the intron after coding-DNA position 2048, one base duplicated (A; older notation c.2048+4dupA).
Molecular consequence: intron variant.
Genome position (GRCh38, 1-based): chr8:38,414,555, T duplicated on the plus strand (A on the coding strand, the reverse complement: FGFR1 is on the minus strand). VCF-style (leftmost placement, unchanged base first): chr8-38414554-C-CT. GRCh37 (hg19) VCF-style: chr8-38272072-C-CT.
Other names: c.1769+4dup (NM_001354368.2); c.1775+4dup (NM_001354370.2, NM_023106.3); c.1781+4dup (NM_023105.3, NM_001174066.2); c.2042+4dup (NM_001354367.2, NM_015850.4, NM_001174063.2 and 1 more transcripts); c.2018+4dup (NM_001174064.2); c.2036+4dup (NM_001354369.2, NM_001410922.1); c.2141+4dup (NM_001174067.2).
Identifiers: ClinVar variation 4871868 (VCV004871868.1).